The following is an entry in ClinVar:

NM_006218.4(PIK3CA):c.683A>G (p.Lys228Arg)

Gene: PIK3CA (phosphatidylinositol-4,5-bisphosphate 3-kinase catalytic subunit alpha; plus strand). Cytogenetic location: 3q26.32.
Variant type: single nucleotide variant.
Coding change: c.683A>G on transcript NM_006218.4 (MANE Select); coding-DNA position 683, A replaced by G.
Protein change: p.Lys228Arg; replaces lysine 228 with arginine.
Molecular consequence: missense variant.
Genome position (GRCh38, 1-based): chr3:179,201,410, A>G. VCF-style: chr3-179201410-A-G. GRCh37 (hg19) VCF-style: chr3-178919198-A-G.
Other names: short protein forms K228R.
Identifiers: ClinVar variation 1755725 (VCV001755725.2), dbSNP rs2108389731, ClinGen allele CA355277062.
Genomic context (GRCh38, chr3:179,201,410, plus strand): 5'-CTCTGAAAATCAACCATGACTGTGTACCAGAACAAGTAATTGCTGAAGCAATCAGGAAAA[A>G]AACTCGAAGTATGTTGCTATCCTCTGAACAACTAAAACTCTGTGTTTTAGAATATCAGGG-3'
Protein context (NP_006209.2, residues 218-238): EQVIAEAIRK[Lys228Arg]TRSMLLSSEQ

ClinVar aggregate classification (germline): Uncertain significance (1 of 4 stars; one submission).

Conditions:
Inborn genetic diseases. Identifiers: MedGen C0950123, MeSH D030342.

Submission:

Ambry Genetics
Classification: Uncertain significance for Inborn genetic diseases. Last evaluated: 2022-02-01. Review status: criteria provided, single submitter. Criteria: Ambry Variant Classification Scheme 2023. Collection method: clinical testing. Allele origin: germline.
Comment: The p.K228R variant (also known as c.683A>G), located in coding exon 3 of the PIK3CA gene, results from an A to G substitution at nucleotide position 683. The lysine at codon 228 is replaced by arginine, an amino acid with highly similar properties. This amino acid position is conserved. In addition, this alteration is predicted to be tolerated by in silico analysis. Since supporting evidence is limited at this time, the clinical significance of this alteration remains unclear.